The following is an entry in ClinVar:

NM_201384.3(PLEC):c.6853G>A (p.Val2285Met)

Gene: PLEC (plectin; minus strand). Cytogenetic location: 8q24.3.
Variant type: single nucleotide variant.
Coding change: c.6853G>A on transcript NM_201384.3 (MANE Select); coding-DNA position 6853, G replaced by A.
Protein change: p.Val2285Met; replaces valine 2285 with methionine.
Molecular consequence: missense variant.
Genome position (GRCh38, 1-based): chr8:143,923,076, C>T on the plus strand (G>A on the coding strand, the complement: PLEC is on the minus strand). VCF-style: chr8-143923076-C-T. GRCh37 (hg19) VCF-style: chr8-144997244-C-T.
Other names: c.6934G>A, p.Val2312Met (NM_000445.5); c.6811G>A, p.Val2271Met (NM_201378.4); c.6787G>A, p.Val2263Met (NM_201379.3); c.7264G>A, p.Val2422Met (NM_201380.4); c.6757G>A, p.Val2253Met (NM_201381.3); c.6853G>A, p.Val2285Met (NM_201382.4); c.6865G>A, p.Val2289Met (NM_201383.3); short protein forms V2253M, V2263M, V2271M, V2285M, V2289M, V2312M, V2422M.
Identifiers: ClinVar variation 2435081 (VCV002435081.6), dbSNP rs1554691302, ClinGen allele CA372532044.

ClinVar aggregate classification (germline): Uncertain significance. Review status: criteria provided, multiple submitters, no conflicts (2 of 4 stars). 2 submissions from 2 submitters: Uncertain significance (2). Last evaluated 2026-02-01.

Conditions:
Epidermolysis bullosa simplex 5B, with muscular dystrophy (EBS5B). Also called: EPIDERMOLYSIS BULLOSA SIMPLEX AND LIMB-GIRDLE MUSCULAR DYSTROPHY; Epidermolysis bullosa simplex with muscular dystrophy. Identifiers: Orphanet 257, MedGen C2931072, MONDO:0009181, OMIM 226670.
Epidermolysis bullosa simplex with nail dystrophy (EBS5D). Identifiers: MedGen C4225309, MONDO:0014661, OMIM 616487.
Epidermolysis bullosa simplex 5C, with pyloric atresia (EBS5C). Also called: PLEC-Related Epidermolysis Bullosa with Pyloric Atresia; Epidermolysis bullosa simplex with pyloric atresia; PLEC1-Related Epidermolysis Bullosa with Pyloric Atresia. Identifiers: Orphanet 158684, MedGen C2677349, MONDO:0012807, OMIM 612138.
Autosomal recessive limb-girdle muscular dystrophy type 2Q (LGMDR17). Also called: MUSCULAR DYSTROPHY, LIMB-GIRDLE, AUTOSOMAL RECESSIVE 17. Identifiers: Orphanet 254361, MedGen C3150989, MONDO:0013390, OMIM 613723.
Epidermolysis bullosa simplex, Ogna type (EBS5A). Also called: EPIDERMOLYSIS BULLOSA SIMPLEX 5A, OGNA TYPE; Pidermolysis bullosa simplex 5A, Ogna type. Identifiers: Orphanet 79401, MedGen C0432317, MONDO:0007555, OMIM 131950.

Allele frequency attached by ClinVar (database versions not stated): gnomAD exomes below 0.00001.
gnomAD v4.1: 2 of 1,608,928 alleles (0.00012%); highest among the groups gnomAD compares: Non-Finnish European, 0.00017%; no homozygotes.

Submissions (2):

Labcorp Genetics (formerly Invitae), Labcorp
Classification: Uncertain significance for Autosomal recessive limb-girdle muscular dystrophy type 2Q; Epidermolysis bullosa simplex, Ogna type; Epidermolysis bullosa simplex with nail dystrophy; Epidermolysis bullosa simplex 5C, with pyloric atresia; Epidermolysis bullosa simplex 5B, with muscular dystrophy. Last evaluated: 2026-02-01. Review status: criteria provided, single submitter. Criteria: Invitae Variant Classification Sherloc (09022015). Collection method: clinical testing. Allele origin: germline.
Comment: This sequence change replaces valine, which is neutral and non-polar, with methionine, which is neutral and non-polar, at codon 2312 of the PLEC protein (p.Val2312Met). This variant is not present in population databases (gnomAD no frequency). This variant has not been reported in the literature in individuals affected with PLEC-related conditions. ClinVar contains an entry for this variant (Variation ID: 2435081). An algorithm developed to predict the effect of missense changes on protein structure and function (PolyPhen-2) suggests that this variant is likely to be disruptive. In summary, the available evidence is currently insufficient to determine the role of this variant in disease. Therefore, it has been classified as a Variant of Uncertain Significance.

Revvity Omics, Revvity
Classification: Uncertain significance. Last evaluated: 2023-01-13. Review status: criteria provided, single submitter. Criteria: ACMG Guidelines, 2015. Collection method: clinical testing. Allele origin: germline.